The following is an entry in ClinVar:

ClinVar aggregate classification (germline): Uncertain significance (1 of 4 stars; one submission).

Conditions:
Diffuse cerebral and cerebellar atrophy - intractable seizures - progressive microcephaly syndrome. Also called: Microcephaly, progressive, with seizures and cerebral and cerebellar atrophy. Identifiers: Orphanet 404437, MedGen C4014239, MONDO:0014335, OMIM 615760.

Allele frequency attached by ClinVar (database versions not stated): gnomAD exomes below 0.00001.
gnomAD v4.1: 2 of 1,614,160 alleles (0.00012%); highest among the groups gnomAD compares: African/African-American, 0.0013%; no homozygotes.

Submission:

Labcorp Genetics (formerly Invitae), Labcorp
Classification: Uncertain significance for Diffuse cerebral and cerebellar atrophy - intractable seizures - progressive microcephaly syndrome. Last evaluated: 2019-09-03. Review status: criteria provided, single submitter. Criteria: Invitae Variant Classification Sherloc (09022015). Collection method: clinical testing. Allele origin: germline.
Comment: This sequence change replaces leucine with valine at codon 561 of the QARS protein (p.Leu561Val). The leucine residue is highly conserved and there is a small physicochemical difference between leucine and valine. This variant is not present in population databases (ExAC no frequency). This variant has not been reported in the literature in individuals with QARS-related conditions. Algorithms developed to predict the effect of missense changes on protein structure and function (SIFT, PolyPhen-2, Align-GVGD) all suggest that this variant is likely to be disruptive, but these predictions have not been confirmed by published functional studies and their clinical significance is uncertain. Algorithms developed to predict the effect of sequence changes on RNA splicing suggest that this variant may create or strengthen a splice site, but this prediction has not been confirmed by published transcriptional studies. In summary, the available evidence is currently insufficient to determine the role of this variant in disease. Therefore, it has been classified as a Variant of Uncertain Significance.

NM_005051.3(QARS1):c.1681C>G (p.Leu561Val)

Gene: QARS1 (glutaminyl-tRNA synthetase 1; minus strand). Cytogenetic location: 3p21.31.
Variant type: single nucleotide variant.
Coding change: c.1681C>G on transcript NM_005051.3 (MANE Select); coding-DNA position 1681, C replaced by G.
Protein change: p.Leu561Val; replaces leucine 561 with valine.
Molecular consequence: missense variant. On other transcripts: non-coding transcript variant (1).
Genome position (GRCh38, 1-based): chr3:49,099,187, G>C on the plus strand (C>G on the coding strand, the complement: QARS1 is on the minus strand). VCF-style: chr3-49099187-G-C. GRCh37 (hg19) VCF-style: chr3-49136620-G-C.
Other names: c.1648C>G, p.Leu550Val (NM_001272073.2); short protein forms L550V, L561V.
Identifiers: ClinVar variation 956729 (VCV000956729.6), dbSNP rs1559966804, ClinGen allele CA352703765.